The following is an entry in ClinVar:

NM_001040108.2(MLH3):c.1916A>G (p.Gln639Arg)

Gene: MLH3 (mutL homolog 3; minus strand). Cytogenetic location: 14q24.3.
Variant type: single nucleotide variant.
Coding change: c.1916A>G on transcript NM_001040108.2 (MANE Select); coding-DNA position 1916, A replaced by G.
Protein change: p.Gln639Arg; replaces glutamine 639 with arginine.
Molecular consequence: missense variant.
Genome position (GRCh38, 1-based): chr14:75,047,740, T>C on the plus strand (A>G on the coding strand, the complement: MLH3 is on the minus strand). VCF-style: chr14-75047740-T-C. GRCh37 (hg19) VCF-style: chr14-75514443-T-C.
Other names: c.1916A>G, p.Gln639Arg (NM_014381.3); short protein forms Q639R.
Identifiers: ClinVar variation 1782584 (VCV001782584.4), dbSNP rs1490609776, ClinGen allele CA390443797.
Genomic context (GRCh38, chr14:75,047,740, plus strand): 5'-GCTAAATCTTTGATGTCTGGAGTTTCAACTGAATGACGTGTTCTATTTCCAAATGTTTCT[T>C]GGGCACGTGTGGGACCAGGTCTAACATAATTTTTAAATGAATGTTCTGTTTCAGTTGATT-3'
Protein context (NP_001035197.1, residues 629-649): NYVRPGPTRA[Gln639Arg]ETFGNRTRHS

ClinVar aggregate classification (germline): Uncertain significance. Review status: criteria provided, multiple submitters, no conflicts (2 of 4 stars). 2 submissions from 2 submitters: Uncertain significance (2). Last evaluated 2025-11-19.

Conditions:
Colorectal cancer, hereditary nonpolyposis, type 7. Identifiers: Orphanet 144, MedGen C1858380, MONDO:0013725, OMIM 614385.

Allele frequency attached by ClinVar (database versions not stated): gnomAD exomes below 0.00001; gnomAD 0.00001; TOPMed 0.00001.

Submissions (2):

Ambry Genetics
Classification: Uncertain significance. Last evaluated: 2025-11-19. Review status: criteria provided, single submitter. Criteria: Ambry Variant Classification Scheme 2023. Collection method: clinical testing. Allele origin: germline.

Labcorp Genetics (formerly Invitae), Labcorp
Classification: Uncertain significance for Colorectal cancer, hereditary nonpolyposis, type 7. Last evaluated: 2025-11-12. Review status: criteria provided, single submitter. Criteria: Invitae Variant Classification Sherloc (09022015). Collection method: clinical testing. Allele origin: germline.
Comment: This sequence change replaces glutamine, which is neutral and polar, with arginine, which is basic and polar, at codon 639 of the MLH3 protein (p.Gln639Arg). This variant is present in population databases (no rsID available, gnomAD 0.01%). This variant has not been reported in the literature in individuals affected with MLH3-related conditions. ClinVar contains an entry for this variant (Variation ID: 1782584). An algorithm developed to predict the effect of missense changes on protein structure and function outputs the following: PolyPhen-2: "Benign". The arginine amino acid residue is found in multiple mammalian species, which suggests that this missense change does not adversely affect protein function. In summary, the available evidence is currently insufficient to determine the role of this variant in disease. Therefore, it has been classified as a Variant of Uncertain Significance.